The following is an entry in ClinVar:

NM_199420.4(POLQ):c.1741G>T (p.Ala581Ser)

Gene: POLQ (DNA polymerase theta; minus strand). Cytogenetic location: 3q13.33.
Variant type: single nucleotide variant.
Coding change: c.1741G>T on transcript NM_199420.4 (MANE Select); coding-DNA position 1741, G replaced by T.
Protein change: p.Ala581Ser; replaces alanine 581 with serine.
Molecular consequence: missense variant.
Genome position (GRCh38, 1-based): chr3:121,510,114, C>A on the plus strand (G>T on the coding strand, the complement: POLQ is on the minus strand). VCF-style: chr3-121510114-C-A. GRCh37 (hg19) VCF-style: chr3-121228961-C-A.
Other names: short protein forms A581S.
Identifiers: ClinVar variation 3308708 (VCV003308708.1).

ClinVar aggregate classification (germline): Uncertain significance (1 of 4 stars; one submission).

Submission:

Ambry Genetics
Classification: Uncertain significance. Last evaluated: 2024-05-31. Review status: criteria provided, single submitter. Criteria: Ambry Variant Classification Scheme 2023. Collection method: clinical testing. Allele origin: germline.
Comment: The p.A581S variant (also known as c.1741G>T), located in coding exon 11 of the POLQ gene, results from a G to T substitution at nucleotide position 1741. The alanine at codon 581 is replaced by serine, an amino acid with similar properties. This amino acid position is conserved. In addition, this alteration is predicted to be tolerated by in silico analysis. Based on the available evidence, the clinical significance of this variant remains unclear.